The following is an entry in ClinVar:

NM_173477.5(USH1G):c.451G>A (p.Ala151Thr)

Gene: USH1G (USH1 protein network component sans; minus strand). Cytogenetic location: 17q25.1.
Variant type: single nucleotide variant.
Coding change: c.451G>A on transcript NM_173477.5 (MANE Select); coding-DNA position 451, G replaced by A.
Protein change: p.Ala151Thr; replaces alanine 151 with threonine.
Molecular consequence: missense variant.
Genome position (GRCh38, 1-based): chr17:74,920,385, C>T on the plus strand (G>A on the coding strand, the complement: USH1G is on the minus strand). VCF-style: chr17-74920385-C-T. GRCh37 (hg19) VCF-style: chr17-72916480-C-T.
Other names: c.142G>A, p.Ala48Thr (NM_001282489.3); short protein forms A48T, A151T.
Identifiers: ClinVar variation 667348 (VCV000667348.6), dbSNP rs1598584337, ClinGen allele CA400965325.
Genomic context (GRCh38, chr17:74,920,385, plus strand): 5'-CGGCCAGCTCGCGCCGGTATCGCCGCTCCATGCGTTCGTGGTGCCTCCGCTGCAGCTTGG[C>T]GCACTCGCGGATGCGCCGCTCCGCCTCGCGGAAGGCCTTGTCCTTCAGCTTACCCACCAG-3'
Protein context (NP_775748.2, residues 141-161): REAERRIREC[Ala151Thr]KLQRRHHERM

ClinVar aggregate classification (germline): Uncertain significance. Review status: criteria provided, multiple submitters, no conflicts (2 of 4 stars). 2 submissions from 2 submitters: Uncertain significance (2). Last evaluated 2022-03-17.

Allele frequency attached by ClinVar (database versions not stated): TOPMed below 0.00001.

Submissions (2):

GeneDx
Classification: Uncertain significance. Last evaluated: 2022-03-17. Review status: criteria provided, single submitter. Criteria: GeneDx Variant Classification Process June 2021. Collection method: clinical testing. Allele origin: germline. Affected: yes.
Comment: Not observed at significant frequency in large population cohorts (gnomAD); In silico analysis supports that this missense variant does not alter protein structure/function; Has not been previously published as pathogenic or benign to our knowledge

Laboratory for Molecular Medicine, Mass General Brigham Personalized Medicine
Classification: Uncertain significance. Last evaluated: 2018-07-20. Review status: criteria provided, single submitter. Criteria: LMM Criteria. Collection method: clinical testing. Allele origin: germline. Observed: 1 variant allele.
Comment: The p.Ala151Thr variant in USH1G has not been previously reported in individuals with hearing loss and was absent from large population studies. Computational p rediction tools and conservation analysis suggest that the p.Ala151Thr variant m ay not impact the protein, though this information is not predictive enough to r ule out pathogenicity. In summary, the clinical significance of the p.Ala151Thr variant is uncertain. ACMG/AMP Criteria applied: PM2, BP4.